The following continues an entry in ClinVar:

NM_000059.4(BRCA2):c.3218A>G (p.Gln1073Arg)

Gene: BRCA2. ClinVar aggregate classification (germline): Conflicting classifications of pathogenicity. Uncertain significance (2); Likely benign (8).

Submission 16 of 16:

Department of Pathology and Laboratory Medicine, Sinai Health System
Classification: Likely benign for Malignant tumor of breast. Review status: no assertion criteria provided. Collection method: clinical testing. Allele origin: unknown. Affected: yes. Study: The Canadian Open Genetics Repository (COGR). Not counted in ClinVar's aggregate classification.
Comment: The BRCA2 p.Gln1073Arg variant was identified in dbSNP (ID: rs80358566) as â€šÃ„Ãºotherâ€šÃ„Ã¹, Clinvitae database (classified as likely benign by ClinVar; uncertain significance by ClinVar and Invitae), the ClinVar database (classified as likely benign by SCRP, GeneDx; uncertain significance by Invitae, Ambry Genetics, BIC), the BIC database (3x with unknown clinical importance). This variant was also identified in the Exome Aggregation Consortium database (August 8th 2016) in 6 of 119496 chromosomes (freq. 0.00005) in the European population in 6 of 65970 chromosomes (freq.0.0001), but was not seen in African, Asian, Finnish, Latino and Other populations. The variant was not identified in the Fanconi Anemia Mutation Database (LOVD), ARUP Laboratories BRCA Mutations Database, COSMIC and GeneInsight-COGR databases. The p.Gln1073 residue is not conserved in mammals and four out of five computational analyses (PolyPhen-2, SIFT, AlignGVGD, BLOSUM, MutationTaster) do not suggest a high likelihood of impact to the protein; however, this information is not predictive enough to rule out pathogenicity. The variant occurs outside of the splicing consensus sequence and 3 of 5 in silico or computational prediction software programs (SpliceSiteFinder, MaxEntScan, NNSPLICE, GeneSplicer, HumanSpliceFinder) predict the loss of a cryptic 3â€šÃ„Ã´ splice site. However, this information is not predictive enough to assume pathogenicity. In addition, the variant was identified, in a sample used as a positive control, as co-occurring with a pathogenic variant in BRCA1 (c.5136G>A, p.Trp1712X), increasing the likelihood this variant does not have clinical significance (Mucaki 2016). In summary, based on the above information, the clinical significance of this variant cannot be determined with certainty at this time although we would lean towards a more benign role for this variant. This variant is classified as likely benign.

Literature cited by the submitters: PubMed 31131967 (cited by Quest Diagnostics Nichols Institute San Juan Capistrano); PubMed 33471991 (cited by Quest Diagnostics Nichols Institute San Juan Capistrano and Women's Health and Genetics/Laboratory Corporation of America, LabCorp); PubMed 31911673 (cited by Quest Diagnostics Nichols Institute San Juan Capistrano); PubMed 27067391 (cited by Quest Diagnostics Nichols Institute San Juan Capistrano and Ambry Genetics); PubMed 22293751 (cited by 4 submitters); PubMed 25111659 (cited by 4 submitters); PubMed 22711857 (cited by 3 submitters); PubMed 26689913 (cited by Quest Diagnostics Nichols Institute San Juan Capistrano and Women's Health and Genetics/Laboratory Corporation of America, LabCorp); PubMed 28726806 (cited by Quest Diagnostics Nichols Institute San Juan Capistrano); PubMed 26497743 (cited by Quest Diagnostics Nichols Institute San Juan Capistrano and Women's Health and Genetics/Laboratory Corporation of America, LabCorp); PubMed 25925381 (cited by Quest Diagnostics Nichols Institute San Juan Capistrano); PubMed 22476429 (cited by 3 submitters); PubMed 31265121 (cited by Women's Health and Genetics/Laboratory Corporation of America, LabCorp).